The following is an entry in ClinVar:

NM_001355276.2(CENPVL3):c.173T>G (p.Leu58Trp)

Gene: CENPVL3 (centromere protein V like 3; minus strand). Cytogenetic location: Xp11.22.
Variant type: single nucleotide variant.
Coding change: c.173T>G on transcript NM_001355276.2 (MANE Select); coding-DNA position 173, T replaced by G.
Protein change: p.Leu58Trp; replaces leucine 58 with tryptophan.
Molecular consequence: missense variant.
Genome position (GRCh38, 1-based): chrX:51,618,701, A>C on the plus strand (T>G on the coding strand, the complement: CENPVL3 is on the minus strand). VCF-style: chrX-51618701-A-C. GRCh37 (hg19) VCF-style: chrX-51361553-A-C.
Other names: short protein forms L58W.
Identifiers: ClinVar variation 3905423 (VCV003905423.10).

ClinVar aggregate classification (germline): Likely benign (1 of 4 stars; one submission).

gnomAD v4.1: 12 of 296,370 alleles (0.004%); highest among the groups gnomAD compares: Non-Finnish European, 0.0059%; no homozygotes.

Submission:

CeGaT Center for Human Genetics Tuebingen
Classification: Likely benign. Last evaluated: 2025-06-01. Review status: criteria provided, single submitter. Criteria: CeGaT Center For Human Genetics Tuebingen Variant Classification Criteria Version 2. Collection method: clinical testing. Allele origin: germline. Affected: yes. Observed: 1 variant allele.
Comment: CENPVL3: BS2